The following is an entry in ClinVar:

NM_001378454.1(ALMS1):c.8250_8254del (p.Asn2751fs)

Gene: ALMS1 (ALMS1 centrosome and basal body associated protein; plus strand). Cytogenetic location: 2p13.1.
Variant type: Deletion.
Coding change: c.8250_8254del on transcript NM_001378454.1 (MANE Select); coding-DNA positions 8250 to 8254, 5 bases deleted (TAATT; older notation c.8250_8254delTAATT).
Protein change: p.Asn2751fs; shifts the reading frame from asparagine 2751.
Molecular consequence: frameshift variant.
Genome position (GRCh38, 1-based): chr2:73,490,209-73,490,213, TAATT deleted; deleting any 5 consecutive bases within chr2:73,490,206-73,490,213 gives the same sequence; the c. name uses the placement nearest the transcript's 3' end. VCF-style (leftmost placement, unchanged base first): chr2-73490205-TATTTA-T. GRCh37 (hg19) VCF-style: chr2-73717332-TATTTA-T.
Other names: c.8253_8257del, p.Asn2752fs (NM_015120.4); short protein forms N2752fs, N2751fs.
Identifiers: ClinVar variation 1453793 (VCV001453793.8), dbSNP rs2103891188, ClinGen allele CA2573135761.
Genomic context (GRCh38, chr2:73,490,205, plus strand): 5'-CCTCTGTTGTTAAGGTTGGTGTTACTGAAGGTAGCCAGTGTACTGGAGCATCTGTGGGGG[TATTTA>T]ATTCTCATTTCACTGAAGAACAAAATCCTCCCAGAGATCTTAAACAGAAAACCTCTTCCC-3'

ClinVar aggregate classification (germline): Pathogenic/Likely pathogenic. Review status: criteria provided, multiple submitters, no conflicts (2 of 4 stars). 2 submissions from 2 submitters: Pathogenic (1); Likely pathogenic (1). Last evaluated 2025-03-26.

Conditions:
Alstrom syndrome (ALMS). Identifiers: Orphanet 64, MedGen C0268425, MONDO:0008763, OMIM 203800.

Submissions (2):

Natera, Inc.
Classification: Likely pathogenic for Alstrom syndrome. Last evaluated: 2025-03-26. Review status: criteria provided, single submitter. Criteria: Natera Variant Classification Schema (03/2026). Collection method: clinical testing. Allele origin: germline.
Comment: The c.8253_8257del variant in ALMS1 is a frameshift variant predicted to shift the reading frame beginning at codon 2752 and leads to a stop codon 4 codons downstream. This variant is expected to result in nonsense mediated decay, truncation, or a dysfunctional protein product. This variant is rare in the general population with a frequency below the threshold expected for the associated phenotype(s). Given the available evidence, this variant is classified as Likely Pathogenic.

Labcorp Genetics (formerly Invitae), Labcorp
Classification: Pathogenic for Alstrom syndrome. Last evaluated: 2022-06-09. Review status: criteria provided, single submitter. Criteria: Invitae Variant Classification Sherloc (09022015). Collection method: clinical testing. Allele origin: germline.
Comment: For these reasons, this variant has been classified as Pathogenic. This variant has not been reported in the literature in individuals affected with ALMS1-related conditions. This variant is not present in population databases (gnomAD no frequency). This sequence change creates a premature translational stop signal (p.Asn2752Serfs*4) in the ALMS1 gene. It is expected to result in an absent or disrupted protein product. Loss-of-function variants in ALMS1 are known to be pathogenic (PMID: 17594715).

Literature cited by the submitters: PubMed 17594715 (cited by Labcorp Genetics (formerly Invitae), Labcorp).